The following is an entry in ClinVar:

NM_004380.3(CREBBP):c.833A>C (p.Gln278Pro)

Gene: CREBBP (CREB binding lysine acetyltransferase; minus strand). Cytogenetic location: 16p13.3.
Variant type: single nucleotide variant.
Coding change: c.833A>C on transcript NM_004380.3 (MANE Select); coding-DNA position 833, A replaced by C.
Protein change: p.Gln278Pro; replaces glutamine 278 with proline.
Molecular consequence: missense variant.
Genome position (GRCh38, 1-based): chr16:3,810,745, T>G on the plus strand (A>C on the coding strand, the complement: CREBBP is on the minus strand). VCF-style: chr16-3810745-T-G. GRCh37 (hg19) VCF-style: chr16-3860746-T-G.
Other names: c.833A>C, p.Gln278Pro (NM_001079846.1); c.833A>C (NM_004380.2); short protein forms Q278P.
Identifiers: ClinVar variation 285017 (VCV000285017.23), dbSNP rs577305576, ClinGen allele CA7870574.

ClinVar aggregate classification (germline): Benign/Likely benign. Review status: criteria provided, multiple submitters, no conflicts (2 of 4 stars). 6 submissions from 6 submitters: Benign (2); Likely benign (3). 1 of the submissions does not count toward it. Last evaluated 2025-11-29.

Conditions:
Rubinstein-Taybi syndrome due to CREBBP mutations (RSTS1). Also called: RUBINSTEIN-TAYBI SYNDROME 1, INCOMPLETE; BROAD THUMBS AND GREAT TOES, CHARACTERISTIC FACIES, AND IMPAIRED INTELLECTUAL DEVELOPMENT; Rubinstein-Taybi syndrome 1; BROAD THUMB-HALLUX SYNDROME; CREBBP-Related Rubinstein-Taybi Syndrome; RUBINSTEIN SYNDROME. Identifiers: Orphanet 353277, Orphanet 783, MedGen C4551859, MONDO:0008393, OMIM 180849.
Menke-Hennekam syndrome 1 (MKHK1). Identifiers: MedGen C5193034, MONDO:0020763, OMIM 618332.
CREBBP-related disorder. Also called: CREBBP-related condition; CREBBP-related disorders.
Rubinstein-Taybi syndrome (RSTS). Identifiers: Orphanet 783, MedGen C0035934, MONDO:0019188.

Allele frequency attached by ClinVar (database versions not stated): gnomAD exomes 0.00006 and 0.00039; gnomAD 0.00014 and 0.00015; TOPMed 0.00014; 1000 Genomes Project 30x 0.00016; 1000 Genomes Project 0.00020; ExAC 0.00037.
gnomAD v4.1: 107 of 1,613,938 alleles (0.0066%); highest among the groups gnomAD compares: East Asian, 0.23%; no homozygotes.

Submissions (6):

Labcorp Genetics (formerly Invitae), Labcorp
Classification: Benign for Rubinstein-Taybi syndrome. Last evaluated: 2025-11-29. Review status: criteria provided, single submitter. Criteria: Invitae Variant Classification Sherloc (09022015). Collection method: clinical testing. Allele origin: germline.

CeGaT Center for Human Genetics Tuebingen
Classification: Likely benign. Last evaluated: 2025-05-01. Review status: criteria provided, single submitter. Criteria: CeGaT Center For Human Genetics Tuebingen Variant Classification Criteria Version 2. Collection method: clinical testing. Allele origin: germline. Affected: yes. Observed: 1 variant allele.
Comment: CREBBP: PP2, BS1

Blueprint Genetics
Classification: Likely benign. Last evaluated: 2024-06-17. Review status: criteria provided, single submitter. Criteria: ACMG Guidelines, 2015. Collection method: clinical testing. Allele origin: germline.

Fulgent Genetics
Classification: Likely benign for Rubinstein-Taybi syndrome due to CREBBP mutations; Menke-Hennekam syndrome 1. Last evaluated: 2021-09-15. Review status: criteria provided, single submitter. Criteria: ACMG Guidelines, 2015. Collection method: clinical testing. Allele origin: unknown.

Eurofins Ntd Llc (ga)
Classification: Benign. Last evaluated: 2015-12-04. Review status: criteria provided, single submitter. Criteria: EGL Classification Definitions 2015. Collection method: clinical testing. Allele origin: germline. Observed: 1 variant allele, 1 heterozygote.

PreventionGenetics, part of Exact Sciences
Classification: Likely benign for CREBBP-related condition. Last evaluated: 2021-07-16. Review status: no assertion criteria provided. Collection method: clinical testing. Allele origin: germline. Not counted in ClinVar's aggregate classification.
Comment: This variant is classified as likely benign based on ACMG/AMP sequence variant interpretation guidelines (Richards et al. 2015 PMID: 25741868, with internal and published modifications).